The following is an entry in ClinVar:

ClinVar aggregate classification (germline): Uncertain significance (1 of 4 stars; one submission).

Conditions:
RFX3-related disorder. Also called: RFX3-related condition.

gnomAD v4.1: 2 of 1,613,972 alleles (0.00012%); highest among the groups gnomAD compares: Admixed American, 0.0033%; no homozygotes.

Submission:

PreventionGenetics, part of Exact Sciences
Classification: Uncertain significance for RFX3-related condition. Last evaluated: 2026-01-20. Review status: criteria provided, single submitter. Criteria: ACMG Guidelines, 2015. Collection method: clinical testing. Allele origin: germline.
Comment: The RFX3 c.1994C>G variant is predicted to result in the amino acid substitution p.Thr665Ser. To our knowledge, this variant has not been reported in the literature or in a large population database (gnomAD), indicating this variant is rare. At this time, the clinical significance of this variant is uncertain due to the absence of conclusive functional and genetic evidence.

NM_001282116.2(RFX3):c.1968+26C>G

Gene: RFX3 (regulatory factor X3; minus strand). Cytogenetic location: 9p24.2.
Variant type: single nucleotide variant.
Coding change: c.1968+26C>G on transcript NM_001282116.2 (MANE Select); 26 bases into the intron after coding-DNA position 1968, C replaced by G.
Molecular consequence: intron variant. On other transcripts: missense variant (1).
Genome position (GRCh38, 1-based): chr9:3,248,006, G>C on the plus strand (C>G on the coding strand, the complement: RFX3 is on the minus strand). VCF-style: chr9-3248006-G-C. GRCh37 (hg19) VCF-style: chr9-3248006-G-C.
Other names: c.1994C>G, p.Thr665Ser (NM_002919.4); c.1968+26C>G (NM_001377999.1, NM_134428.3); short protein forms T665S.
Identifiers: ClinVar variation 4983748 (VCV004983748.1).